The following is an entry in ClinVar:

ClinVar aggregate classification (germline): Pathogenic/Likely pathogenic. Review status: criteria provided, multiple submitters, no conflicts (2 of 4 stars). 5 submissions from 5 submitters: Pathogenic (1); Likely pathogenic (1). 3 of the submissions do not count toward it. Last evaluated 2025-03-19.

Conditions:
Spermatogenic failure 33. Identifiers: MedGen C4748395, MONDO:0029147, OMIM 618152.
Non-syndromic male infertility due to sperm motility disorder. Identifiers: Orphanet 276234, MedGen C0403811, MONDO:0017173.
Male infertility with teratozoospermia due to single gene mutation. Identifiers: Orphanet 399808, MedGen C4706677, MONDO:0018394.

Allele frequency attached by ClinVar (database versions not stated): 1000 Genomes Project 30x 0.00016; 1000 Genomes Project 0.00020; gnomAD 0.00096 and 0.00098; gnomAD exomes 0.00100 and 0.00218; ExAC 0.00116; TOPMed 0.00120; ESP Exome Variant Server 0.00155.
gnomAD v4.1: 3,303 of 1,612,264 alleles (0.2%); highest among the groups gnomAD compares: Non-Finnish European, 0.26%; 7 homozygotes.

Submissions (5):

First Genomix Gene Laboratory, Genetic Diagnostics Department
Classification: Pathogenic for Spermatogenic failure 33. Last evaluated: 2025-03-19. Review status: criteria provided, single submitter. Criteria: ACMG Guidelines, 2015. Collection method: clinical testing. Allele origin: germline. Inheritance: Autosomal recessive inheritance. Affected: no. Observed: 1 variant allele.

Department of Pathology and Laboratory Medicine, Sinai Health System
Classification: Likely pathogenic for spermatogenic failure 33. Last evaluated: 2023-09-14. Review status: criteria provided, single submitter. Criteria: ACMG Guidelines, 2015. Collection method: research. Allele origin: germline.

OMIM
Classification: Pathogenic for SPERMATOGENIC FAILURE 33. Last evaluated: 2024-03-04. Review status: no assertion criteria provided. Collection method: literature only. Allele origin: germline. Not counted in ClinVar's aggregate classification.

Zotz-Klimas Genetics Lab, MVZ Zotz Klimas
Classification: Pathogenic for Spermatogenic failure 33. Last evaluated: 2023-11-24. Review status: no assertion criteria provided. Collection method: clinical testing. Allele origin: germline. Affected: yes. Not counted in ClinVar's aggregate classification.

Marseille Medical Genetics, U1251, Aix Marseille University, Inserm
Classification: Pathogenic for Non-syndromic male infertility due to sperm motility disorder; Male infertility with teratozoospermia due to single gene mutation. Last evaluated: 2018-06-29. Review status: no assertion criteria provided. Collection method: clinical testing. Allele origin: inherited. Inheritance: Autosomal recessive inheritance. Affected: yes. Observed: 1 variant allele, 1 compound heterozygote. Not counted in ClinVar's aggregate classification.
Comment: Bialleleic rare loss-of-function variants in WDR66 have been described in two independent cases of asthenozoospermia with multiple morphologic abnormalities of the sperm flagellum. One of these cases is a compound heterozygote for p.Leu530Valfs*4 and a nonsense variant p.Glu111*. In this case a dysplasia of the mitochondrial sheath was described by immunofluorescence and electron microscopy (Auguste et al. 2018, article in revision).

Literature cited by the submitters: PubMed 30122541 (cited by OMIM).

NM_144668.6(CFAP251):c.331G>T (p.Glu111Ter)

Gene: CFAP251 (cilia and flagella associated protein 251; plus strand). Cytogenetic location: 12q24.31.
Variant type: single nucleotide variant.
Coding change: c.331G>T on transcript NM_144668.6 (MANE Select); coding-DNA position 331, G replaced by T.
Protein change: p.Glu111Ter; replaces glutamic acid 111 with a stop codon.
Molecular consequence: nonsense.
Genome position (GRCh38, 1-based): chr12:121,921,636, G>T. VCF-style: chr12-121921636-G-T. GRCh37 (hg19) VCF-style: chr12-122359542-G-T.
Other names: c.331G>T, p.Glu111Ter (NM_001178003.2); short protein forms E111*.
Identifiers: ClinVar variation 548449 (VCV000548449.8), dbSNP rs199671406, ClinGen allele CA6840303.